The following is an entry in ClinVar:

NM_004056.6(CA8):c.474G>A (p.Gly158=)

Gene: CA8 (carbonic anhydrase 8 (inactive); minus strand). Cytogenetic location: 8q12.1.
Variant type: single nucleotide variant.
Coding change: c.474G>A on transcript NM_004056.6 (MANE Select); coding-DNA position 474, G replaced by A.
Protein change: p.Gly158=; no amino-acid change (glycine 158 retained).
Molecular consequence: synonymous variant. On other transcripts: non-coding transcript variant (1), intron variant (1).
Genome position (GRCh38, 1-based): chr8:60,232,323, C>T on the plus strand (G>A on the coding strand, the complement: CA8 is on the minus strand). VCF-style: chr8-60232323-C-T. GRCh37 (hg19) VCF-style: chr8-61144882-C-T.
Other names: c.474G>A, p.Gly158= (NM_001321837.2, NM_001321838.2, NM_001412131.1 and 1 more transcripts); c.418-5388G>A (NM_001321839.2).
Identifiers: ClinVar variation 1695231 (VCV001695231.31), dbSNP rs1432231964, ClinGen allele CA461060734.

ClinVar aggregate classification (germline): Likely benign (1 of 4 stars; one submission).

Allele frequency attached by ClinVar (database versions not stated): gnomAD exomes 0.00001.
gnomAD v4.1: 8 of 1,614,046 alleles (0.0005%); highest among the groups gnomAD compares: Non-Finnish European, 0.00068%; no homozygotes.

Submission:

CeGaT Center for Human Genetics Tuebingen
Classification: Likely benign. Last evaluated: 2022-05-01. Review status: criteria provided, single submitter. Criteria: CeGaT Center For Human Genetics Tuebingen Variant Classification Criteria Version 2. Collection method: clinical testing. Allele origin: germline. Affected: yes. Observed: 1 variant allele.
Comment: CA8: BP4, BP7